The following is an entry in ClinVar:

ClinVar aggregate classification (germline): Uncertain significance (1 of 4 stars; one submission).

Conditions:
Heterotopia, periventricular, X-linked dominant (PVNH1). Also called: PERIVENTRICULAR NODULAR HETEROTOPIA 4; HETEROTOPIA, PERIVENTRICULAR, 1; PERIVENTRICULAR NODULAR HETEROTOPIA 1; X-linked periventricular heterotopia. Identifiers: Orphanet 2149, Orphanet 82004, MedGen C1848213, MONDO:0010233, OMIM 300049.
Oto-palato-digital syndrome, type II (OPD2). Also called: Otopalatodigital Syndrome, Type II; Otopalatodigital Syndrome Type 2 (FLNA-OPD2); FACIOPALATOOSSEOUS SYNDROME; OPD II SYNDROME. Identifiers: Orphanet 669, Orphanet 90652, MedGen C1844696, MONDO:0010571, OMIM 304120.
Melnick-Needles syndrome (MNS). Also called: Melnick-Needles Syndrome (FLNA-MNS); MELNICK-NEEDLES OSTEODYSPLASTY; OSTEODYSPLASTY OF MELNICK AND NEEDLES. Identifiers: Orphanet 2484, MedGen C0025237, MONDO:0010650, OMIM 309350.
Frontometaphyseal dysplasia (FMD1). Identifiers: Orphanet 1826, MedGen C0265293, MONDO:0015942.

Submission:

Labcorp Genetics (formerly Invitae), Labcorp
Classification: Uncertain significance for Oto-palato-digital syndrome, type II; Heterotopia, periventricular, X-linked dominant; Frontometaphyseal dysplasia; Melnick-Needles syndrome. Last evaluated: 2019-11-12. Review status: criteria provided, single submitter. Criteria: Invitae Variant Classification Sherloc (09022015). Collection method: clinical testing. Allele origin: germline.
Comment: In summary, the available evidence is currently insufficient to determine the role of this variant in disease. Therefore, it has been classified as a Variant of Uncertain Significance. This sequence change replaces glycine with aspartic acid at codon 1386 of the FLNA protein (p.Gly1386Asp). The glycine residue is highly conserved and there is a moderate physicochemical difference between glycine and aspartic acid. This variant is not present in population databases (ExAC no frequency). This variant has not been reported in the literature in individuals with FLNA-related conditions. Algorithms developed to predict the effect of missense changes on protein structure and function (SIFT, PolyPhen-2, Align-GVGD) all suggest that this variant is likely to be disruptive, but these predictions have not been confirmed by published functional studies and their clinical significance is uncertain.

NM_001110556.2(FLNA):c.4157G>A (p.Gly1386Asp)

Gene: FLNA (filamin A; minus strand). Cytogenetic location: Xq28.
Variant type: single nucleotide variant.
Coding change: c.4157G>A on transcript NM_001110556.2 (MANE Select); coding-DNA position 4157, G replaced by A.
Protein change: p.Gly1386Asp; replaces glycine 1386 with aspartic acid.
Molecular consequence: missense variant.
Genome position (GRCh38, 1-based): chrX:154,359,392, C>T on the plus strand (G>A on the coding strand, the complement: FLNA is on the minus strand). VCF-style: chrX-154359392-C-T. GRCh37 (hg19) VCF-style: chrX-153587760-C-T.
Other names: c.4157G>A, p.Gly1386Asp (NM_001456.4); short protein forms G1386D.
Identifiers: ClinVar variation 966767 (VCV000966767.10), dbSNP rs2067686967, ClinGen allele CA415218969.